The following is an entry in ClinVar:

NM_000215.4(JAK3):c.297G>A (p.Leu99=)

Gene: JAK3 (Janus kinase 3; minus strand). Cytogenetic location: 19p13.11.
Variant type: single nucleotide variant.
Coding change: c.297G>A on transcript NM_000215.4 (MANE Select); coding-DNA position 297, G replaced by A.
Protein change: p.Leu99=; no amino-acid change (leucine 99 retained).
Molecular consequence: synonymous variant.
Genome position (GRCh38, 1-based): chr19:17,843,788, C>T on the plus strand (G>A on the coding strand, the complement: JAK3 is on the minus strand). VCF-style: chr19-17843788-C-T. GRCh37 (hg19) VCF-style: chr19-17954597-C-T.
Identifiers: ClinVar variation 892490 (VCV000892490.7), dbSNP rs3212716, ClinGen allele CA9302211.

ClinVar aggregate classification (germline): Conflicting classifications of pathogenicity. Review status: criteria provided, conflicting classifications (1 of 4 stars). 2 submissions from 2 submitters: Uncertain significance (1); Likely benign (1). Last evaluated 2025-05-13.

Conditions:
T-B+ severe combined immunodeficiency due to JAK3 deficiency. Also called: SCID, T CELL-NEGATIVE, B CELL-POSITIVE, NK CELL-NEGATIVE; SCID, autosomal recessive, T-negative/B-positive type. Identifiers: Orphanet 35078, MedGen C1833275, MONDO:0010938, OMIM 600802.

gnomAD v4.1: 28 of 1,613,360 alleles (0.0017%); highest among the groups gnomAD compares: African/African-American, 0.035%; no homozygotes.

Submissions (2):

Labcorp Genetics (formerly Invitae), Labcorp
Classification: Likely benign for T-B+ severe combined immunodeficiency due to JAK3 deficiency. Last evaluated: 2025-05-13. Review status: criteria provided, single submitter. Criteria: Invitae Variant Classification Sherloc (09022015). Collection method: clinical testing. Allele origin: germline.

Illumina Laboratory Services, Illumina
Classification: Uncertain significance for T-B+ severe combined immunodeficiency due to JAK3 deficiency. Last evaluated: 2017-11-19. Review status: criteria provided, single submitter. Criteria: ICSL Variant Classification Criteria 13 December 2019. Collection method: clinical testing. Allele origin: germline.
Comment: This variant was observed as part of a predisposition screen in an ostensibly healthy population. A literature search was performed for the gene, cDNA change, and amino acid change (where applicable). Publications were found based on this search. However, the evidence from the literature, in combination with allele frequency data from public databases where available, was not sufficient to rule this variant in or out of causing disease. Therefore, this variant is classified as a variant of unknown significance.

Literature cited by the submitters: PubMed 21821710 (cited by Illumina Laboratory Services, Illumina).